The following is an entry in ClinVar:

NM_001211.6(BUB1B):c.2339T>C (p.Leu780Ser)

Gene: BUB1B (BUB1 mitotic checkpoint serine/threonine kinase B; plus strand). Cytogenetic location: 15q15.1.
Variant type: single nucleotide variant.
Coding change: c.2339T>C on transcript NM_001211.6 (MANE Select); coding-DNA position 2339, T replaced by C.
Protein change: p.Leu780Ser; replaces leucine 780 with serine.
Molecular consequence: missense variant.
Genome position (GRCh38, 1-based): chr15:40,210,164, T>C. VCF-style: chr15-40210164-T-C. GRCh37 (hg19) VCF-style: chr15-40502365-T-C.
Other names: short protein forms L780S.
Identifiers: ClinVar variation 3262276 (VCV003262276.1).

ClinVar aggregate classification (germline): Uncertain significance (1 of 4 stars; one submission).

Conditions:
Inborn genetic diseases. Identifiers: MedGen C0950123, MeSH D030342.

Submission:

Ambry Genetics
Classification: Uncertain significance for Inborn genetic diseases. Last evaluated: 2024-06-14. Review status: criteria provided, single submitter. Criteria: Ambry Variant Classification Scheme 2023. Collection method: clinical testing. Allele origin: germline.
Comment: The p.L780S variant (also known as c.2339T>C), located in coding exon 18 of the BUB1B gene, results from a T to C substitution at nucleotide position 2339. The leucine at codon 780 is replaced by serine, an amino acid with dissimilar properties. This amino acid position is conserved. In addition, the in silico prediction for this alteration is inconclusive. Based on the available evidence, the clinical significance of this variant remains unclear.